The following is an entry in ClinVar:

NM_004370.6(COL12A1):c.7006G>T (p.Asp2336Tyr)

Gene: COL12A1 (collagen type XII alpha 1 chain; minus strand). Cytogenetic location: 6q13.
Variant type: single nucleotide variant.
Coding change: c.7006G>T on transcript NM_004370.6 (MANE Select); coding-DNA position 7006, G replaced by T.
Protein change: p.Asp2336Tyr; replaces aspartic acid 2336 with tyrosine.
Molecular consequence: missense variant.
Genome position (GRCh38, 1-based): chr6:75,121,382, C>A on the plus strand (G>T on the coding strand, the complement: COL12A1 is on the minus strand). VCF-style: chr6-75121382-C-A. GRCh37 (hg19) VCF-style: chr6-75831098-C-A.
Other names: c.3514G>T, p.Asp1172Tyr (NM_080645.3); short protein forms D1172Y, D2336Y.
Identifiers: ClinVar variation 951293 (VCV000951293.10), dbSNP rs1400495680, ClinGen allele CA364750132.
Genomic context (GRCh38, chr6:75,121,382, plus strand): 5'-TTTCATCAAAGCCTCCCACAGTATTGAAGATGAATTTTACAACTTTGTTAAAATTATCGT[C>A]CCCAATGCTCCAGGAGGCATCAGTCAAGAACACAATATCTGCCTTGGCCCCTTTGCATAC-3'
Protein context (NP_004361.3, residues 2326-2346): FLTDASWSIG[Asp2336Tyr]DNFNKVVKFI

ClinVar aggregate classification (germline): Uncertain significance (1 of 4 stars; one submission).

Conditions:
Ullrich congenital muscular dystrophy 2 (UCMD2). Identifiers: Orphanet 75840, MedGen C4225314, MONDO:0014654, OMIM 616470.
Bethlem myopathy 2 (BTHLM2). Identifiers: Orphanet 536516, Orphanet 610, MedGen C4225313, MONDO:0034022, OMIM 616471.

Allele frequency attached by ClinVar (database versions not stated): gnomAD exomes below 0.00001; TOPMed below 0.00001.
gnomAD v4.1: 7 of 1,612,178 alleles (0.00043%); highest among the groups gnomAD compares: East Asian, 0.0022%; no homozygotes.

Submission:

Labcorp Genetics (formerly Invitae), Labcorp
Classification: Uncertain significance for Bethlem myopathy 2; Ullrich congenital muscular dystrophy 2. Last evaluated: 2025-12-07. Review status: criteria provided, single submitter. Criteria: Invitae Variant Classification Sherloc (09022015). Collection method: clinical testing. Allele origin: germline.
Comment: This sequence change replaces aspartic acid, which is acidic and polar, with tyrosine, which is neutral and polar, at codon 2336 of the COL12A1 protein (p.Asp2336Tyr). This variant is present in population databases (no rsID available, gnomAD 0.003%). This variant has not been reported in the literature in individuals affected with COL12A1-related conditions. ClinVar contains an entry for this variant (Variation ID: 951293). Invitae Evidence Modeling of protein sequence and biophysical properties (such as structural, functional, and spatial information, amino acid conservation, physicochemical variation, residue mobility, and thermodynamic stability) indicates that this missense variant is not expected to disrupt COL12A1 protein function with a negative predictive value of 80%. In summary, the available evidence is currently insufficient to determine the role of this variant in disease. Therefore, it has been classified as a Variant of Uncertain Significance.